The following is an entry in ClinVar:

NM_016628.5(WAC):c.645G>T (p.Leu215Phe)

Gene: WAC (WW domain containing adaptor with coiled-coil; plus strand). Cytogenetic location: 10p12.1.
Variant type: single nucleotide variant.
Coding change: c.645G>T on transcript NM_016628.5 (MANE Select); coding-DNA position 645, G replaced by T.
Protein change: p.Leu215Phe; replaces leucine 215 with phenylalanine.
Molecular consequence: missense variant. On other transcripts: intron variant (1).
Genome position (GRCh38, 1-based): chr10:28,595,767, G>T. VCF-style: chr10-28595767-G-T. GRCh37 (hg19) VCF-style: chr10-28884696-G-T.
Other names: c.510G>T, p.Leu170Phe (NM_100264.3); c.610+4935G>T (NM_100486.4); short protein forms L170F, L215F.
Identifiers: ClinVar variation 4852745 (VCV004852745.2).

ClinVar aggregate classification (germline): Likely benign (1 of 4 stars; one submission).

Submission:

Dasa
Classification: Likely benign. Last evaluated: 2025-12-09. Review status: criteria provided, single submitter. Criteria: DASA Assertion Criteria. Collection method: clinical testing. Allele origin: germline.
Comment: NM_016628.5(WAC):c.645G>T (p.Leu215Phe) is a missense variant that results in the substitution of leucine with phenylalanine. The variant context is inconsistent with a known disease-causing mechanism. Computational prediction algorithms are consistent with a benign effect. Therefore, based on the currently available evidence, this variant is classified as likely benign.